The following is an entry in ClinVar:

NM_001852.4(COL9A2):c.1951C>G (p.Arg651Gly)

Gene: COL9A2 (collagen type IX alpha 2 chain; minus strand). Cytogenetic location: 1p34.2.
Variant type: single nucleotide variant.
Coding change: c.1951C>G on transcript NM_001852.4 (MANE Select); coding-DNA position 1951, C replaced by G.
Protein change: p.Arg651Gly; replaces arginine 651 with glycine.
Molecular consequence: missense variant.
Genome position (GRCh38, 1-based): chr1:40,301,301, G>C on the plus strand (C>G on the coding strand, the complement: COL9A2 is on the minus strand). VCF-style: chr1-40301301-G-C. GRCh37 (hg19) VCF-style: chr1-40766973-G-C.
Other names: short protein forms R651G.
Identifiers: ClinVar variation 2876108 (VCV002876108.3), dbSNP rs754234353, ClinGen allele CA339874064.

ClinVar aggregate classification (germline): Uncertain significance (1 of 4 stars; one submission).

Submission:

Labcorp Genetics (formerly Invitae), Labcorp
Classification: Uncertain significance. Last evaluated: 2023-09-27. Review status: criteria provided, single submitter. Criteria: Invitae Variant Classification Sherloc (09022015). Collection method: clinical testing. Allele origin: germline.
Comment: In summary, the available evidence is currently insufficient to determine the role of this variant in disease. Therefore, it has been classified as a Variant of Uncertain Significance. Advanced modeling of protein sequence and biophysical properties (such as structural, functional, and spatial information, amino acid conservation, physicochemical variation, residue mobility, and thermodynamic stability) performed at Invitae indicates that this missense variant is not expected to disrupt COL9A2 protein function. This variant has not been reported in the literature in individuals affected with COL9A2-related conditions. This variant is not present in population databases (gnomAD no frequency). This sequence change replaces arginine, which is basic and polar, with glycine, which is neutral and non-polar, at codon 651 of the COL9A2 protein (p.Arg651Gly).